The following is an entry in ClinVar:

ClinVar aggregate classification (germline): Uncertain significance (1 of 4 stars; one submission).

Conditions:
Hereditary cancer-predisposing syndrome. Also called: Tumor predisposition; Neoplastic Syndromes, Hereditary; Hereditary Cancer Syndrome; Hereditary neoplastic syndrome. Identifiers: Orphanet 140162, MedGen C0027672, MeSH D009386, MONDO:0015356.

Submission:

Ambry Genetics
Classification: Uncertain significance for Hereditary cancer-predisposing syndrome. Last evaluated: 2020-04-01. Review status: criteria provided, single submitter. Criteria: Ambry Variant Classification Scheme 2023. Collection method: clinical testing. Allele origin: germline.
Comment: The p.A1030T variant (also known as c.3088G>A), located in coding exon 19 of the BRIP1 gene, results from a G to A substitution at nucleotide position 3088. The alanine at codon 1030 is replaced by threonine, an amino acid with similar properties. This amino acid position is poorly conserved in available vertebrate species. In addition, this alteration is predicted to be tolerated by in silico analysis. Since supporting evidence is limited at this time, the clinical significance of this alteration remains unclear.

NM_032043.3(BRIP1):c.3088G>A (p.Ala1030Thr)

Gene: BRIP1 (BRCA1 interacting DNA helicase 1; minus strand). Cytogenetic location: 17q23.2.
Variant type: single nucleotide variant.
Coding change: c.3088G>A on transcript NM_032043.3 (MANE Select); coding-DNA position 3088, G replaced by A.
Protein change: p.Ala1030Thr; replaces alanine 1030 with threonine.
Molecular consequence: missense variant.
Genome position (GRCh38, 1-based): chr17:61,683,958, C>T on the plus strand (G>A on the coding strand, the complement: BRIP1 is on the minus strand). VCF-style: chr17-61683958-C-T. GRCh37 (hg19) VCF-style: chr17-59761319-C-T.
Other names: short protein forms A1030T.
Identifiers: ClinVar variation 1727414 (VCV001727414.2), dbSNP rs2144088581, ClinGen allele CA400479795.